The following is an entry in ClinVar:

NM_005228.5(EGFR):c.2309_2310insGTC (p.Asp770delinsGluSer)

Genes: EGFR (epidermal growth factor receptor; plus strand), EGFR-AS1 (EGFR antisense RNA 1; minus strand). Cytogenetic location: 7p11.2.
Variant type: Insertion.
Coding change: c.2309_2310insGTC on transcript NM_005228.5 (MANE Select); coding-DNA positions 2309 to 2310, GTC inserted.
Protein change: p.Asp770delinsGluSer.
Molecular consequence: inframe indel. On other transcripts: non-coding transcript variant (1).
Genome position: GRCh38 VCF-style: chr7-55181318-A-AGTC. GRCh37 (hg19) VCF-style: chr7-55249011-A-AGTC.
Other names: c.2174_2175insGTC, p.Asp725delinsGluSer (NM_001346897.2, NM_001346899.2); c.2309_2310insGTC, p.Asp770delinsGluSer (NM_001346898.2); c.2150_2151insGTC, p.Asp717delinsGluSer (NM_001346900.2); c.1508_1509insGTC, p.Asp503delinsGluSer (NM_001346941.2).
Identifiers: ClinVar variation 496810 (VCV000496810.4), dbSNP rs1554350382, ClinGen allele CA658795342.

ClinVar aggregate classification (germline): Likely pathogenic (1 of 4 stars; one submission).

Conditions:
Lung adenocarcinoma. Also called: Adenocarcinoma of lung; Adenocarcinoma of lung, somatic. Identifiers: MedGen C0152013, MeSH D000077192, MONDO:0005061, HP:0030078.

Submission:

Molecular Diagnostics, Rajiv Gandhi Cancer Institute & Research Center
Classification: Likely pathogenic for Lung adenocarcinoma. Last evaluated: 2017-12-12. Review status: criteria provided, single submitter. Criteria: ACMG Guidelines, 2015. Collection method: clinical testing. Allele origin: somatic. Inheritance: Somatic mutation. Affected: yes. Observed: 1 variant allele, 1 heterozygote.
Comment: In-frame insertion of 'GTC' in exon 20 of EGFR is a negative predictor of drug response to anti EGFR TKIs. This inference is being drawn based upon similar insertions in this region of exon 20.